The following is an entry in ClinVar:

ClinVar aggregate classification (germline): Likely pathogenic (1 of 4 stars; one submission).

Allele frequency attached by ClinVar (database versions not stated): gnomAD exomes 0.00001.
gnomAD v4.1: 16 of 1,580,192 alleles (0.001%); highest among the groups gnomAD compares: Non-Finnish European, 0.0013%; no homozygotes.

Submission:

Labcorp Genetics (formerly Invitae), Labcorp
Classification: Likely pathogenic. Last evaluated: 2017-09-14. Review status: criteria provided, single submitter. Criteria: Invitae Variant Classification Sherloc (09022015). Collection method: clinical testing. Allele origin: germline.
Comment: This variant is not present in population databases (ExAC no frequency). In summary, the currently available evidence indicates that the variant is pathogenic, but additional data are needed to prove that conclusively. Therefore, this variant has been classified as Likely Pathogenic. Donor and acceptor splice site variants typically lead to a loss of protein function (PMID: 16199547), and loss-of-function variants in LRIG2 are known to be pathogenic (PMID: 23313374). This variant has not been reported in the literature in individuals with LRIG2-related disease. This sequence change affects an acceptor splice site in intron 2 of the LRIG2 gene. It is expected to disrupt RNA splicing and likely results in an absent or disrupted protein product.

Literature cited by the submitters: PubMed 16199547; PubMed 23313374.

NM_014813.3(LRIG2):c.306-2A>G

Gene: LRIG2 (leucine rich repeats and immunoglobulin like domains 2; plus strand). Cytogenetic location: 1p13.2.
Variant type: single nucleotide variant.
Coding change: c.306-2A>G on transcript NM_014813.3 (MANE Select); the canonical splice acceptor site of the intron before coding-DNA position 306, A replaced by G.
Molecular consequence: splice acceptor variant.
Genome position (GRCh38, 1-based): chr1:113,093,204, A>G. VCF-style: chr1-113093204-A-G. GRCh37 (hg19) VCF-style: chr1-113635826-A-G.
Other names: c.-4-2A>G (NM_001312686.2).
Identifiers: ClinVar variation 1065942 (VCV001065942.7), dbSNP rs1364461144, ClinGen allele CA341675451.